The following is an entry in ClinVar:

NM_000548.5(TSC2):c.1067_1068dup (p.Ala357fs)

Gene: TSC2 (TSC complex subunit 2; plus strand). Cytogenetic location: 16p13.3.
Variant type: Duplication.
Coding change: c.1067_1068dup on transcript NM_000548.5 (MANE Select); coding-DNA positions 1067 to 1068, 2 bases duplicated (TG; older notation c.1067_1068dupTG).
Protein change: p.Ala357fs; shifts the reading frame from alanine 357.
Molecular consequence: frameshift variant.
Genome position (GRCh38, 1-based): chr16:2,060,761-2,060,762, TG duplicated; duplicating any 2 consecutive bases within chr16:2,060,760-2,060,762 gives the same sequence; the c. name uses the placement nearest the transcript's 3' end. VCF-style (leftmost placement, unchanged base first): chr16-2060759-G-GGT. GRCh37 (hg19) VCF-style: chr16-2110760-G-GGT.
Other names: c.1067_1068dup, p.Ala357fs (NM_001077183.3, NM_001114382.3, NM_001363528.2 and 3 more transcripts); c.956_957dup, p.Ala320fs (NM_001318827.2); c.920_921dup, p.Ala308fs (NM_001318829.2); c.467_468dup, p.Ala157fs (NM_001318831.2); c.1100_1101dup, p.Ala368fs (NM_001318832.2); c.1067_1068dup, p.Ala357Trpfs (NM_001406663.1, NM_001406664.1, NM_001406665.1); c.1157_1158dup, p.Ala387Trpfs (NM_001406667.1, NM_001406668.1); c.956_957dup, p.Ala320Trpfs (NM_001406670.1, NM_001406678.1); and 8 more; short protein forms A157fs, A308fs, A320fs, A357fs, A368fs.
Identifiers: ClinVar variation 1705434 (VCV001705434.1), dbSNP rs2548521987, ClinGen allele CA2580090696.
Genomic context (GRCh38, chr16:2,060,759, plus strand): 5'-CTATGAGATCGTCCTGTCCATCACCAGGCTCATCAAGAAGTATAGGAAGGAGCTCCAGGT[G>GGT]GTGGCGTGGGACATTCTGCTGAACATCATCGAACGGCTCCTTCAGCAGCTCCAGGTGGGG-3'

ClinVar aggregate classification (germline): Likely pathogenic (1 of 4 stars; one submission).

Conditions:
Tuberous sclerosis 2 (TSC2). Identifiers: Orphanet 805, MedGen C1860707, MONDO:0013199, OMIM 613254.

Submission:

3billion
Classification: Likely pathogenic for Tuberous sclerosis 2. Last evaluated: 2022-09-01. Review status: criteria provided, single submitter. Criteria: ACMG Guidelines, 2015. Collection method: clinical testing. Allele origin: germline. Affected: yes. Observed: 1 heterozygote.
Comment: The variant is not observed in the gnomAD v2.1.1 dataset. Frameshift variant is predicted to result in a loss or disruption of normal protein function through nonsense-mediated decay (NMD) or protein truncation. Multiple pathogenic variants are reported downstream of the variant. Therefore, this variant is classified as Likely pathogenic according to the recommendation of ACMG/AMP guideline.